The following is an entry in ClinVar:

ClinVar aggregate classification (germline): Uncertain significance (1 of 4 stars; one submission).

Conditions:
Hereditary cancer-predisposing syndrome. Also called: Hereditary neoplastic syndrome; Neoplastic Syndromes, Hereditary; Tumor predisposition; Hereditary Cancer Syndrome. Identifiers: Orphanet 140162, MedGen C0027672, MeSH D009386, MONDO:0015356.

Submission:

Ambry Genetics
Classification: Uncertain significance for Hereditary cancer-predisposing syndrome. Last evaluated: 2025-08-27. Review status: criteria provided, single submitter. Criteria: Ambry Variant Classification Scheme 2023. Collection method: clinical testing. Allele origin: germline.
Comment: The p.P18S variant (also known as c.52C>T), located in coding exon 2 of the MUTYH gene, results from a C to T substitution at nucleotide position 52. The proline at codon 18 is replaced by serine, an amino acid with similar properties. This amino acid position is conserved. In addition, this alteration is predicted to be tolerated by in silico analysis. Based on the available evidence, the clinical significance of this variant remains unclear.

NM_001048174.2(MUTYH):c.10C>T (p.Pro4Ser)

Gene: MUTYH (mutY DNA glycosylase; minus strand). Cytogenetic location: 1p34.1.
Variant type: single nucleotide variant.
Coding change: c.10C>T on transcript NM_001048174.2 (MANE Select); coding-DNA position 10, C replaced by T.
Protein change: p.Pro4Ser; replaces proline 4 with serine.
Molecular consequence: missense variant. On other transcripts: 5 prime UTR variant (7), non-coding transcript variant (7).
Genome position (GRCh38, 1-based): chr1:45,334,496, G>A on the plus strand (C>T on the coding strand, the complement: MUTYH is on the minus strand). VCF-style: chr1-45334496-G-A. GRCh37 (hg19) VCF-style: chr1-45800168-G-A.
Other names: c.10C>T, p.Pro4Ser (NM_001048171.2, NM_001048172.2, NM_001048173.2 and 15 more transcripts); c.52C>T, p.Pro18Ser (NM_001128425.2, NM_001293190.2, NM_001407069.1 and 2 more transcripts); c.-203C>T (NM_001293192.2, NM_001293196.2, NM_001407091.1); c.-262C>T (NM_001350650.2); c.-198C>T (NM_001350651.2, NM_001407082.1); c.-147C>T (NM_001407075.1); c.28C>T, p.Pro10Ser (NM_001407087.1); short protein forms P18S, P4S, P10S.
Identifiers: ClinVar variation 4113717 (VCV004113717.1).